The following is an entry in ClinVar:

NM_032806.6(POMGNT2):c.994G>A (p.Val332Met)

Gene: POMGNT2 (protein O-linked mannose N-acetylglucosaminyltransferase 2 (beta 1,4-); minus strand). Cytogenetic location: 3p22.1.
Variant type: single nucleotide variant.
Coding change: c.994G>A on transcript NM_032806.6 (MANE Select); coding-DNA position 994, G replaced by A.
Protein change: p.Val332Met; replaces valine 332 with methionine.
Molecular consequence: missense variant.
Genome position (GRCh38, 1-based): chr3:43,080,438, C>T on the plus strand (G>A on the coding strand, the complement: POMGNT2 is on the minus strand). VCF-style: chr3-43080438-C-T. GRCh37 (hg19) VCF-style: chr3-43121930-C-T.
Other names: c.994G>A (NM_032806.4); short protein forms V332M.
Identifiers: ClinVar variation 566159 (VCV000566159.11), dbSNP rs549430013, ClinGen allele CA2339955.

ClinVar aggregate classification (germline): Uncertain significance. Review status: criteria provided, multiple submitters, no conflicts (2 of 4 stars). 4 submissions from 4 submitters: Uncertain significance (4). Last evaluated 2024-04-23.

Conditions:
Muscular dystrophy-dystroglycanopathy (congenital with brain and eye anomalies), type a, 8 (MDDGA8). Also called: WALKER-WARBURG SYNDROME OR MUSCLE-EYE-BRAIN DISEASE, GTDC2-RELATED. Identifiers: Orphanet 899, MedGen C3553813, MONDO:0013904, OMIM 614830.
Inborn genetic diseases. Identifiers: MedGen C0950123, MeSH D030342.
POMGNT2-related disorder. Also called: POMGNT2-related condition.

Allele frequency attached by ClinVar (database versions not stated): 1000 Genomes Project 0.00020; ExAC 0.00005; TOPMed 0.00008; gnomAD 0.00009 and 0.00010; 1000 Genomes Project 30x 0.00016.
gnomAD v4.1: 56 of 1,614,194 alleles (0.0035%); highest among the groups gnomAD compares: Middle Eastern, 0.049%; no homozygotes.

Submissions (4):

Labcorp Genetics (formerly Invitae), Labcorp
Classification: Uncertain significance for Muscular dystrophy-dystroglycanopathy (congenital with brain and eye anomalies), type a, 8. Last evaluated: 2024-04-23. Review status: criteria provided, single submitter. Criteria: Invitae Variant Classification Sherloc (09022015). Collection method: clinical testing. Allele origin: germline.
Comment: This sequence change replaces valine, which is neutral and non-polar, with methionine, which is neutral and non-polar, at codon 332 of the POMGNT2 protein (p.Val332Met). This variant is present in population databases (rs549430013, gnomAD 0.04%). This missense change has been observed in individual(s) with POMGNT2-related conditions (PMID: 35533453). ClinVar contains an entry for this variant (Variation ID: 566159). Advanced modeling of protein sequence and biophysical properties (such as structural, functional, and spatial information, amino acid conservation, physicochemical variation, residue mobility, and thermodynamic stability) performed at Invitae indicates that this missense variant is not expected to disrupt POMGNT2 protein function with a negative predictive value of 80%. In summary, the available evidence is currently insufficient to determine the role of this variant in disease. Therefore, it has been classified as a Variant of Uncertain Significance.

PreventionGenetics, part of Exact Sciences
Classification: Uncertain significance for POMGNT2-related condition. Last evaluated: 2023-09-06. Review status: criteria provided, single submitter. Criteria: ACMG Guidelines, 2015. Collection method: clinical testing. Allele origin: germline.
Comment: The POMGNT2 c.994G>A variant is predicted to result in the amino acid substitution p.Val332Met. This variant was reported in the homozygous state in an individual with congenital muscular dystrophy (Masri. 2022. PubMed ID: 35533453). This variant is reported in 0.040% of alleles in individuals of East Asian descent in gnomAD. At this time, the clinical significance of this variant is uncertain due to the absence of conclusive functional and genetic evidence.

Revvity Omics, Revvity
Classification: Uncertain significance. Last evaluated: 2023-05-16. Review status: criteria provided, single submitter. Criteria: ACMG Guidelines, 2015. Collection method: clinical testing. Allele origin: germline.

Ambry Genetics
Classification: Uncertain significance for Inborn genetic diseases. Last evaluated: 2023-01-24. Review status: criteria provided, single submitter. Criteria: Ambry Variant Classification Scheme 2023. Collection method: clinical testing. Allele origin: germline.

Literature cited by the submitters: PubMed 35533453 (cited by Labcorp Genetics (formerly Invitae), Labcorp).